The following is an entry in ClinVar:

ClinVar aggregate classification (germline): Uncertain significance (1 of 4 stars; one submission).

Conditions:
Norman-Roberts syndrome (LIS2). Also called: Lissencephaly 2 (Norman-Roberts type). Identifiers: Orphanet 89844, MedGen C0796089, MONDO:0009760, OMIM 257320.
Familial temporal lobe epilepsy 7. Identifiers: Orphanet 101046, MedGen C4225327, MONDO:0014639, OMIM 616436.

Allele frequency attached by ClinVar (database versions not stated): gnomAD 0.00003; TOPMed 0.00008.
gnomAD v4.1: 35 of 1,610,452 alleles (0.0022%); highest among the groups gnomAD compares: East Asian, 0.074%; no homozygotes.

Submission:

Labcorp Genetics (formerly Invitae), Labcorp
Classification: Uncertain significance for Familial temporal lobe epilepsy 7; Norman-Roberts syndrome. Last evaluated: 2024-03-28. Review status: criteria provided, single submitter. Criteria: Invitae Variant Classification Sherloc (09022015). Collection method: clinical testing. Allele origin: germline.
Comment: This sequence change replaces glycine, which is neutral and non-polar, with valine, which is neutral and non-polar, at codon 1843 of the RELN protein (p.Gly1843Val). This variant is present in population databases (rs114313194, gnomAD 0.1%). This missense change has been observed in individual(s) with epilepsy (PMID: 31031587). ClinVar contains an entry for this variant (Variation ID: 2042422). An algorithm developed to predict the effect of missense changes on protein structure and function (PolyPhen-2) suggests that this variant is likely to be disruptive. In summary, the available evidence is currently insufficient to determine the role of this variant in disease. Therefore, it has been classified as a Variant of Uncertain Significance.

Literature cited by the submitters: PubMed 31031587.

NM_005045.4(RELN):c.5528G>T (p.Gly1843Val)

Gene: RELN (reelin; minus strand). Cytogenetic location: 7q22.1.
Variant type: single nucleotide variant.
Coding change: c.5528G>T on transcript NM_005045.4 (MANE Select); coding-DNA position 5528, G replaced by T.
Protein change: p.Gly1843Val; replaces glycine 1843 with valine.
Molecular consequence: missense variant.
Genome position (GRCh38, 1-based): chr7:103,561,533, C>A on the plus strand (G>T on the coding strand, the complement: RELN is on the minus strand). VCF-style: chr7-103561533-C-A. GRCh37 (hg19) VCF-style: chr7-103201980-C-A.
Other names: c.5528G>T, p.Gly1843Val (NM_173054.3); short protein forms G1843V.
Identifiers: ClinVar variation 2042422 (VCV002042422.4), dbSNP rs114313194, ClinGen allele CA4421191.